The following is an entry in ClinVar:

ClinVar aggregate classification (germline): Uncertain significance (1 of 4 stars; one submission).

Submission:

Ambry Genetics
Classification: Uncertain significance. Last evaluated: 2026-09-14. Review status: criteria provided, single submitter. Criteria: Ambry Variant Classification Scheme 2023. Collection method: clinical testing. Allele origin: germline.
Comment: The p.S622G variant (also known as c.1864A>G), located in coding exon 18 of the NEBL gene, results from an A to G substitution at nucleotide position 1864. The serine at codon 622 is replaced by glycine, an amino acid with similar properties. This amino acid position is conserved. In addition, the in silico prediction for this alteration is inconclusive. Based on the available evidence, the clinical significance of this variant remains unclear.

NM_006393.3(NEBL):c.1864A>G (p.Ser622Gly)

Gene: NEBL (nebulette; minus strand). Cytogenetic location: 10p12.31.
Variant type: single nucleotide variant.
Coding change: c.1864A>G on transcript NM_006393.3 (MANE Select); coding-DNA position 1864, A replaced by G.
Protein change: p.Ser622Gly; replaces serine 622 with glycine.
Molecular consequence: missense variant. On other transcripts: intron variant (9).
Genome position (GRCh38, 1-based): chr10:20,826,452, T>C on the plus strand (A>G on the coding strand, the complement: NEBL is on the minus strand). VCF-style: chr10-20826452-T-C. GRCh37 (hg19) VCF-style: chr10-21115381-T-C.
Other names: c.310-13512A>G (NM_001377323.1); c.250-13512A>G (NM_001377326.1, NM_001377327.1, NM_001377328.1); c.358-13512A>G (NM_213569.2, NM_001173484.2, NM_001377322.1); c.301-13512A>G (NM_001377324.1); c.292-13512A>G (NM_001377325.1); short protein forms S622G.
Identifiers: ClinVar variation 5025473 (VCV005025473.1).